The following is an entry in ClinVar:

NM_032119.4(ADGRV1):c.17904G>T (p.Glu5968Asp)

Gene: ADGRV1 (adhesion G protein-coupled receptor V1; plus strand). Cytogenetic location: 5q14.3.
Variant type: single nucleotide variant.
Coding change: c.17904G>T on transcript NM_032119.4 (MANE Select); coding-DNA position 17904, G replaced by T.
Protein change: p.Glu5968Asp; replaces glutamic acid 5968 with aspartic acid.
Molecular consequence: missense variant. On other transcripts: non-coding transcript variant (1).
Genome position (GRCh38, 1-based): chr5:90,965,462, G>T. VCF-style: chr5-90965462-G-T. GRCh37 (hg19) VCF-style: chr5-90261279-G-T.
Other names: short protein forms E5968D.
Identifiers: ClinVar variation 955749 (VCV000955749.10), dbSNP rs999758389, ClinGen allele CA122910330.

ClinVar aggregate classification (germline): Uncertain significance. Review status: criteria provided, multiple submitters, no conflicts (2 of 4 stars). 2 submissions from 2 submitters: Uncertain significance (2). Last evaluated 2023-04-07.

Allele frequency attached by ClinVar (database versions not stated): gnomAD 0.00001; TOPMed 0.00006.
gnomAD v4.1: 3 of 1,613,746 alleles (0.00019%); highest among the groups gnomAD compares: Non-Finnish European, 0.00017%; no homozygotes.

Submissions (2):

Labcorp Genetics (formerly Invitae), Labcorp
Classification: Uncertain significance. Last evaluated: 2023-04-07. Review status: criteria provided, single submitter. Criteria: Invitae Variant Classification Sherloc (09022015). Collection method: clinical testing. Allele origin: germline.
Comment: In summary, the available evidence is currently insufficient to determine the role of this variant in disease. Therefore, it has been classified as a Variant of Uncertain Significance. Advanced modeling of protein sequence and biophysical properties (such as structural, functional, and spatial information, amino acid conservation, physicochemical variation, residue mobility, and thermodynamic stability) performed at Invitae indicates that this missense variant is not expected to disrupt ADGRV1 protein function. ClinVar contains an entry for this variant (Variation ID: 955749). This variant has not been reported in the literature in individuals affected with ADGRV1-related conditions. This variant is not present in population databases (gnomAD no frequency). This sequence change replaces glutamic acid, which is acidic and polar, with aspartic acid, which is acidic and polar, at codon 5968 of the ADGRV1 protein (p.Glu5968Asp).

Blueprint Genetics
Classification: Uncertain significance. Last evaluated: 2022-11-15. Review status: criteria provided, single submitter. Criteria: ACMG Guidelines, 2015. Collection method: clinical testing. Allele origin: germline.